The following is an entry in ClinVar:

ClinVar aggregate classification (germline): Uncertain significance (1 of 4 stars; one submission).

Allele frequency attached by ClinVar (database versions not stated): gnomAD exomes below 0.00001 and 0.00002; TOPMed 0.00001.
gnomAD v4.1: 25 of 1,614,120 alleles (0.0015%); highest among the groups gnomAD compares: Non-Finnish European, 0.002%; no homozygotes.

Submission:

Labcorp Genetics (formerly Invitae), Labcorp
Classification: Uncertain significance. Last evaluated: 2022-11-01. Review status: criteria provided, single submitter. Criteria: Invitae Variant Classification Sherloc (09022015). Collection method: clinical testing. Allele origin: germline.
Comment: This sequence change replaces methionine, which is neutral and non-polar, with valine, which is neutral and non-polar, at codon 358 of the EFL1 protein (p.Met358Val). This variant is present in population databases (rs778931406, gnomAD 0.0009%). This variant has not been reported in the literature in individuals affected with EFL1-related conditions. ClinVar contains an entry for this variant (Variation ID: 1350147). Algorithms developed to predict the effect of missense changes on protein structure and function (SIFT, PolyPhen-2, Align-GVGD) all suggest that this variant is likely to be tolerated. In summary, the available evidence is currently insufficient to determine the role of this variant in disease. Therefore, it has been classified as a Variant of Uncertain Significance.

NM_024580.6(EFL1):c.1072A>G (p.Met358Val)

Gene: EFL1 (elongation factor like GTPase 1; minus strand). Cytogenetic location: 15q25.2.
Variant type: single nucleotide variant.
Coding change: c.1072A>G on transcript NM_024580.6 (MANE Select); coding-DNA position 1072, A replaced by G.
Protein change: p.Met358Val; replaces methionine 358 with valine.
Molecular consequence: missense variant. On other transcripts: non-coding transcript variant (1).
Genome position (GRCh38, 1-based): chr15:82,227,570, T>C on the plus strand (A>G on the coding strand, the complement: EFL1 is on the minus strand). VCF-style: chr15-82227570-T-C. GRCh37 (hg19) VCF-style: chr15-82519911-T-C.
Other names: c.919A>G, p.Met307Val (NM_001040610.3); c.283A>G, p.Met95Val (NM_001322844.2); c.1072A>G, p.Met358Val (NM_001322845.2); short protein forms M95V, M358V, M307V.
Identifiers: ClinVar variation 1350147 (VCV001350147.3), dbSNP rs778931406, ClinGen allele CA273428264.